The following is an entry in ClinVar:

ClinVar aggregate classification (germline): Uncertain significance. Review status: criteria provided, multiple submitters, no conflicts (2 of 4 stars). 2 submissions from 2 submitters: Uncertain significance (2). Last evaluated 2024-01-03.

Conditions:
Inborn genetic diseases. Identifiers: MedGen C0950123, MeSH D030342.

Allele frequency attached by ClinVar (database versions not stated): ExAC 0.00002; gnomAD exomes 0.00002 and 0.00004; gnomAD 0.00003; TOPMed 0.00003; ESP Exome Variant Server 0.00008.
gnomAD v4.1: 58 of 1,612,022 alleles (0.0036%); highest among the groups gnomAD compares: Non-Finnish European, 0.0048%; no homozygotes.

Submissions (2):

Ambry Genetics
Classification: Uncertain significance for Inborn genetic diseases. Last evaluated: 2024-01-03. Review status: criteria provided, single submitter. Criteria: Ambry Variant Classification Scheme 2023. Collection method: clinical testing. Allele origin: germline.

Labcorp Genetics (formerly Invitae), Labcorp
Classification: Uncertain significance. Last evaluated: 2021-10-08. Review status: criteria provided, single submitter. Criteria: Invitae Variant Classification Sherloc (09022015). Collection method: clinical testing. Allele origin: germline.
Comment: This sequence change replaces isoleucine with threonine at codon 201 of the MME protein (p.Ile201Thr). The isoleucine residue is moderately conserved and there is a moderate physicochemical difference between isoleucine and threonine. This variant is present in population databases (rs374541166, ExAC 0.003%). This variant has not been reported in the literature in individuals affected with MME-related conditions. Algorithms developed to predict the effect of missense changes on protein structure and function (SIFT, PolyPhen-2, Align-GVGD) all suggest that this variant is likely to be disruptive. In summary, the available evidence is currently insufficient to determine the role of this variant in disease. Therefore, it has been classified as a Variant of Uncertain Significance.

NM_007289.4(MME):c.602T>C (p.Ile201Thr)

Gene: MME (membrane metalloendopeptidase; plus strand). Cytogenetic location: 3q25.2.
Variant type: single nucleotide variant.
Coding change: c.602T>C on transcript NM_007289.4 (MANE Select); coding-DNA position 602, T replaced by C.
Protein change: p.Ile201Thr; replaces isoleucine 201 with threonine.
Molecular consequence: missense variant.
Genome position (GRCh38, 1-based): chr3:155,116,934, T>C. VCF-style: chr3-155116934-T-C. GRCh37 (hg19) VCF-style: chr3-154834723-T-C.
Other names: c.602T>C, p.Ile201Thr (NM_000902.5, NM_001354642.2, NM_001354643.1 and 2 more transcripts); c.602T>C (NM_007289.2); short protein forms I201T.
Identifiers: ClinVar variation 1367471 (VCV001367471.4), dbSNP rs374541166, ClinGen allele CA2675216.